The following is an entry in ClinVar:

NM_020937.4(FANCM):c.5263G>A (p.Glu1755Lys)

Gene: FANCM (FA complementation group M; plus strand). Cytogenetic location: 14q21.2.
Variant type: single nucleotide variant.
Coding change: c.5263G>A on transcript NM_020937.4 (MANE Select); coding-DNA position 5263, G replaced by A.
Protein change: p.Glu1755Lys; replaces glutamic acid 1755 with lysine.
Molecular consequence: missense variant.
Genome position (GRCh38, 1-based): chr14:45,189,285, G>A. VCF-style: chr14-45189285-G-A. GRCh37 (hg19) VCF-style: chr14-45658488-G-A.
Other names: c.5185G>A, p.Glu1729Lys (NM_001308133.2); short protein forms E1729K, E1755K.
Identifiers: ClinVar variation 2635366 (VCV002635366.1), dbSNP rs2503246628, ClinGen allele CA389613135.

ClinVar aggregate classification (germline): Uncertain significance (1 of 4 stars; one submission).

Conditions:
FANCM-related disorder. Also called: FANCM-related condition.

Submission:

PreventionGenetics, part of Exact Sciences
Classification: Uncertain significance for FANCM-related condition. Last evaluated: 2022-11-21. Review status: criteria provided, single submitter. Criteria: ACMG Guidelines, 2015. Collection method: clinical testing. Allele origin: germline.
Comment: The FANCM c.5263G>A variant is predicted to result in the amino acid substitution p.Glu1755Lys. To our knowledge, this variant has not been reported in the literature or in a large population database, indicating this variant is rare. At this time, the clinical significance of this variant is uncertain due to the absence of conclusive functional and genetic evidence.